The following is an entry in ClinVar:

ClinVar aggregate classification (germline): Pathogenic. Review status: criteria provided, multiple submitters, no conflicts (2 of 4 stars). 2 submissions from 2 submitters: Pathogenic (2). Last evaluated 2025-08-23.

Conditions:
KBG syndrome (KBGS). Also called: ANKRD11-Related KBG Syndrome. Identifiers: Orphanet 2332, MedGen C0220687, MONDO:0007846, OMIM 148050.

Submissions (2):

Variantyx, Inc.
Classification: Pathogenic for KBG syndrome. Last evaluated: 2025-08-23. Review status: criteria provided, single submitter. Criteria: Variantyx Assertion Criteria 2022. Collection method: clinical testing. Allele origin: de novo. Inheritance: Autosomal dominant inheritance. Affected: yes.
Comment: This is a nonsense variant in the ANKRD11 gene (OMIM: 611192). Pathogenic variants in this gene have been associated with autosomal dominant KBG syndrome. This variant introduces a premature termination codon in exon 9 out of 13 and is expected to result in loss of function, which is a known disease mechanism for ANKRD11 in this disorder (PMID: 21782149, 35330407, 28422132) (PVS1). This variant is absent from control populations (PM2). Based on the current evidence, this variant is classified as pathogenic for autosomal dominant KBG syndrome.

Baylor Genetics
Classification: Pathogenic for KBG syndrome. Last evaluated: 2017-09-01. Review status: criteria provided, single submitter. Criteria: ACMG Guidelines, 2015. Collection method: clinical testing. Allele origin: de novo. Inheritance: Autosomal dominant inheritance. Affected: yes.
Comment: This nonsense mutation is categorized as deleterious according to ACMG guidelines (PMID:18414213).

Literature cited by the submitters: PubMed 21782149 (cited by Variantyx, Inc.); PubMed 35330407 (cited by Variantyx, Inc.); PubMed 28422132 (cited by Variantyx, Inc.); PubMed 25326635 (cited by Baylor Genetics).

NM_013275.6(ANKRD11):c.1948C>T (p.Gln650Ter)

Gene: ANKRD11 (ankyrin repeat domain 11; minus strand). Cytogenetic location: 16q24.3.
Variant type: single nucleotide variant.
Coding change: c.1948C>T on transcript NM_013275.6 (MANE Select); coding-DNA position 1948, C replaced by T.
Protein change: p.Gln650Ter; replaces glutamine 650 with a stop codon.
Molecular consequence: nonsense.
Genome position (GRCh38, 1-based): chr16:89,284,594, G>A on the plus strand (C>T on the coding strand, the complement: ANKRD11 is on the minus strand). VCF-style: chr16-89284594-G-A. GRCh37 (hg19) VCF-style: chr16-89351002-G-A.
Other names: c.1948C>T, p.Gln650Ter (NM_001256182.2, NM_001256183.2); short protein forms Q650*.
Identifiers: ClinVar variation 560939 (VCV000560939.3), dbSNP rs1567579525, ClinGen allele CA397163550.